The following is an entry in ClinVar:

ClinVar aggregate classification (germline): Uncertain significance. Review status: criteria provided, multiple submitters, no conflicts (2 of 4 stars). 2 submissions from 2 submitters: Uncertain significance (2). Last evaluated 2025-07-31.

Allele frequency attached by ClinVar (database versions not stated): gnomAD exomes 0.00003; TOPMed 0.00006; gnomAD 0.00007; ESP Exome Variant Server 0.00008; ExAC 0.00009.
gnomAD v4.1: 32 of 1,581,190 alleles (0.002%); highest among the groups gnomAD compares: African/African-American, 0.012%; no homozygotes.

Submissions (2):

Labcorp Genetics (formerly Invitae), Labcorp
Classification: Uncertain significance. Last evaluated: 2025-07-31. Review status: criteria provided, single submitter. Criteria: Invitae Variant Classification Sherloc (09022015). Collection method: clinical testing. Allele origin: germline.
Comment: This sequence change replaces valine, which is neutral and non-polar, with methionine, which is neutral and non-polar, at codon 233 of the RCBTB1 protein (p.Val233Met). This variant is present in population databases (rs139445321, gnomAD 0.01%). This variant has not been reported in the literature in individuals affected with RCBTB1-related conditions. ClinVar contains an entry for this variant (Variation ID: 1369060). Invitae Evidence Modeling of protein sequence and biophysical properties (such as structural, functional, and spatial information, amino acid conservation, physicochemical variation, residue mobility, and thermodynamic stability) indicates that this missense variant is not expected to disrupt RCBTB1 protein function with a negative predictive value of 80%. In summary, the available evidence is currently insufficient to determine the role of this variant in disease. Therefore, it has been classified as a Variant of Uncertain Significance.

Blueprint Genetics
Classification: Uncertain significance. Last evaluated: 2022-01-17. Review status: criteria provided, single submitter. Criteria: ACMG Guidelines, 2015. Collection method: clinical testing. Allele origin: germline.

NM_018191.4(RCBTB1):c.697G>A (p.Val233Met)

Gene: RCBTB1 (RCC1 and BTB domain containing protein 1; minus strand). Cytogenetic location: 13q14.2.
Variant type: single nucleotide variant.
Coding change: c.697G>A on transcript NM_018191.4 (MANE Select); coding-DNA position 697, G replaced by A.
Protein change: p.Val233Met; replaces valine 233 with methionine.
Molecular consequence: missense variant. On other transcripts: non-coding transcript variant (2).
Genome position (GRCh38, 1-based): chr13:49,552,192, C>T on the plus strand (G>A on the coding strand, the complement: RCBTB1 is on the minus strand). VCF-style: chr13-49552192-C-T. GRCh37 (hg19) VCF-style: chr13-50126328-C-T.
Other names: c.697G>A, p.Val233Met (NM_001352500.2, NM_001352501.2, NM_001352502.2 and 3 more transcripts); c.118G>A, p.Val40Met (NM_001352506.2); short protein forms V40M, V233M.
Identifiers: ClinVar variation 1369060 (VCV001369060.7), dbSNP rs139445321, ClinGen allele CA6982807.